The following is an entry in ClinVar:

NM_001267550.2(TTN):c.49500C>A (p.Cys16500Ter)

Genes: TTN (titin; minus strand), TTN-AS1 (TTN antisense RNA 1; plus strand). Cytogenetic location: 2q31.2.
Variant type: single nucleotide variant.
Coding change: c.49500C>A on transcript NM_001267550.2 (MANE Select); coding-DNA position 49500, C replaced by A.
Protein change: p.Cys16500Ter; replaces cysteine 16500 with a stop codon.
Molecular consequence: nonsense.
Genome position (GRCh38, 1-based): chr2:178,613,783, G>T on the plus strand (C>A on the coding strand, the complement: TTN is on the minus strand). VCF-style: chr2-178613783-G-T. GRCh37 (hg19) VCF-style: chr2-179478510-G-T.
Other names: c.44577C>A, p.Cys14859Ter (NM_001256850.1); c.22305C>A, p.Cys7435Ter (NM_003319.4); c.41796C>A, p.Cys13932Ter (NM_133378.4); c.22680C>A, p.Cys7560Ter (NM_133432.3); c.22881C>A, p.Cys7627Ter (NM_133437.4); short protein forms C7627*, C7560*, C13932*, C14859*, C16500*, C7435*.
Identifiers: ClinVar variation 1788096 (VCV001788096.6), dbSNP rs754776552, ClinGen allele CA349604299.
Genomic context (GRCh38, chr2:178,613,783, plus strand): 5'-AACATCTTGATGGGGATTCTGAGCATACCTGTATGTTGTGTCCTTTACTGGCATCTTATT[G>T]CATCTAACCCATTTATCTGTATCAGGATCCAGTCTTTCAACCCAGTATCCTGTGATTGGG-3'

ClinVar aggregate classification (germline): Likely pathogenic. Review status: criteria provided, multiple submitters, no conflicts (2 of 4 stars). 3 submissions from 3 submitters: Likely pathogenic (3). Last evaluated 2026-01-08.

Conditions:
Autosomal recessive limb-girdle muscular dystrophy type 2J (LGMDR10). Also called: Limb-girdle muscular dystrophy, type 2J; MUSCULAR DYSTROPHY, LIMB-GIRDLE, AUTOSOMAL RECESSIVE 10. Identifiers: Orphanet 140922, MedGen C1837342, MONDO:0012127, OMIM 608807.
Dilated cardiomyopathy 1G (CMD1G). Identifiers: Orphanet 154, MedGen C1858763, MONDO:0011400, OMIM 604145.
Cardiovascular phenotype. Identifiers: MedGen CN230736.

Submissions (3):

Variantyx, Inc.
Classification: Likely pathogenic for Dilated cardiomyopathy 1G. Last evaluated: 2026-01-08. Review status: criteria provided, single submitter. Criteria: Variantyx Assertion Criteria 2022. Collection method: clinical testing. Allele origin: germline. Inheritance: Autosomal dominant inheritance. Affected: yes.
Comment: This is a nonsense variant in the TTN gene (OMIM: 188840). Pathogenic variants in this gene have been associated with autosomal dominant dilated cardiomyopathy 1G. This variant introduces a premature termination codon in exon 263 out of 363, and localizes to the A-band region of titin (PSI=100%). It is expected to result in loss of function, which is a known disease mechanism for TTN in this disorder (PMID: 28045875, 26084686, 23418287, 16733766, 22335739) (PVS1). This variant is absent from control populations (PM2). Based on the current evidence, this variant is classified as likely pathogenic for autosomal dominant dilated cardiomyopathy 1G.

Labcorp Genetics (formerly Invitae), Labcorp
Classification: Likely pathogenic for Dilated cardiomyopathy 1G; Autosomal recessive limb-girdle muscular dystrophy type 2J. Last evaluated: 2023-01-16. Review status: criteria provided, single submitter. Criteria: Invitae Variant Classification Sherloc (09022015). Collection method: clinical testing. Allele origin: germline.
Comment: This sequence change creates a premature translational stop signal (p.Cys16500*) in the TTN gene. While this is not anticipated to result in nonsense mediated decay, it is expected to create a truncated TTN protein. In summary, the currently available evidence indicates that the variant is pathogenic, but additional data are needed to prove that conclusively. Therefore, this variant has been classified as Likely Pathogenic. This variant is located in the A band of TTN (PMID: 25589632). Truncating variants in this region are significantly overrepresented in patients affected with dilated cardiomyopathy (PMID: 25589632). Truncating variants in this region have also been reported in individuals affected with autosomal recessive centronuclear myopathy (PMID: 23975875). ClinVar contains an entry for this variant (Variation ID: 1788096). This variant has not been reported in the literature in individuals affected with TTN-related conditions. This variant is not present in population databases (gnomAD no frequency).

Ambry Genetics
Classification: Likely pathogenic for Cardiovascular phenotype. Last evaluated: 2022-05-04. Review status: criteria provided, single submitter. Criteria: Ambry Variant Classification Scheme 2023. Collection method: clinical testing. Allele origin: germline.
Comment: The p.C7435* variant (also known as c.22305C>A), located in coding exon 90 of the TTN gene, results from a C to A substitution at nucleotide position 22305. This changes the amino acid from a cysteine to a stop codon within coding exon 90. This exon is located in the A-band region of the N2-B isoform of the titin protein and is constitutively expressed in TTN transcripts (percent spliced in or PSI 100%). This variant is considered to be rare based on population cohorts in the Genome Aggregation Database (gnomAD). This alteration is expected to result in loss of function by premature protein truncation or nonsense-mediated mRNA decay. While truncating variants in TTN are present in 1-3% of the general population, truncating variants in the A-band are the most common cause of dilated cardiomyopathy (DCM) (Herman DS et al. N. Engl. J. Med., 2012 Feb;366:619-28; Roberts AM et al. Sci Transl Med, 2015 Jan;7:270ra6). TTN truncating variants encoded in constitutive exons (PSI >90%) have been found to be significantly associated with DCM regardless of their position in titin (Schafer S et al. Nat. Genet., 2017 01;49:46-53). As such, this alteration is classified as likely pathogenic.

Literature cited by the submitters: PubMed 26084686 (cited by Variantyx, Inc.); PubMed 23418287 (cited by Variantyx, Inc.); PubMed 16733766 (cited by Variantyx, Inc.); PubMed 22335739 (cited by Variantyx, Inc.); PubMed 25589632 (cited by Labcorp Genetics (formerly Invitae), Labcorp); PubMed 23975875 (cited by Labcorp Genetics (formerly Invitae), Labcorp).